The following is an entry in ClinVar:

ClinVar aggregate classification (germline): Uncertain significance (1 of 4 stars; one submission).

Conditions:
Cardiovascular phenotype. Identifiers: MedGen CN230736.

Submission:

Ambry Genetics
Classification: Uncertain significance for Cardiovascular phenotype. Last evaluated: 2022-01-26. Review status: criteria provided, single submitter. Criteria: Ambry Variant Classification Scheme 2023. Collection method: clinical testing. Allele origin: germline.
Comment: The p.R127G variant (also known as c.379C>G), located in coding exon 3 of the LIPA gene, results from a C to G substitution at nucleotide position 379. The arginine at codon 127 is replaced by glycine, an amino acid with dissimilar properties. This amino acid position is conserved. In addition, the in silico prediction for this alteration is inconclusive. Since supporting evidence is limited at this time, the clinical significance of this alteration remains unclear.

NM_000235.4(LIPA):c.379C>G (p.Arg127Gly)

Gene: LIPA (lipase A, lysosomal acid type; minus strand). Cytogenetic location: 10q23.31.
Variant type: single nucleotide variant.
Coding change: c.379C>G on transcript NM_000235.4 (MANE Select); coding-DNA position 379, C replaced by G.
Protein change: p.Arg127Gly; replaces arginine 127 with glycine.
Molecular consequence: missense variant.
Genome position (GRCh38, 1-based): chr10:89,228,249, G>C on the plus strand (C>G on the coding strand, the complement: LIPA is on the minus strand). VCF-style: chr10-89228249-G-C. GRCh37 (hg19) VCF-style: chr10-90988006-G-C.
Other names: c.379C>G, p.Arg127Gly (NM_001127605.3); c.31C>G, p.Arg11Gly (NM_001288979.2); short protein forms R11G, R127G.
Identifiers: ClinVar variation 1735014 (VCV001735014.2), dbSNP rs140686447, ClinGen allele CA377517833.